The following is an entry in ClinVar:

ClinVar aggregate classification (germline): Conflicting classifications of pathogenicity. Review status: criteria provided, conflicting classifications (1 of 4 stars). 2 submissions from 2 submitters: Uncertain significance (1); Likely benign (1). Last evaluated 2023-06-03.

Allele frequency attached by ClinVar (database versions not stated): TOPMed 0.00001.
gnomAD v4.1: 27 of 1,609,992 alleles (0.0017%); highest among the groups gnomAD compares: Non-Finnish European, 0.0019%; no homozygotes.

Submissions (2):

Labcorp Genetics (formerly Invitae), Labcorp
Classification: Uncertain significance. Last evaluated: 2023-06-03. Review status: criteria provided, single submitter. Criteria: Invitae Variant Classification Sherloc (09022015). Collection method: clinical testing. Allele origin: germline.
Comment: Algorithms developed to predict the effect of missense changes on protein structure and function output the following: SIFT: "Not Available"; PolyPhen-2: "Benign"; Align-GVGD: "Not Available". The glutamine amino acid residue is found in multiple mammalian species, which suggests that this missense change does not adversely affect protein function. In summary, the available evidence is currently insufficient to determine the role of this variant in disease. Therefore, it has been classified as a Variant of Uncertain Significance. ClinVar contains an entry for this variant (Variation ID: 2467444). This variant has not been reported in the literature in individuals affected with IFT88-related conditions. This variant is present in population databases (rs777984685, gnomAD 0.002%). This sequence change replaces glutamic acid, which is acidic and polar, with glutamine, which is neutral and polar, at codon 562 of the IFT88 protein (p.Glu562Gln).

Ambry Genetics
Classification: Likely benign. Last evaluated: 2023-01-10. Review status: criteria provided, single submitter. Criteria: Ambry Variant Classification Scheme 2023. Collection method: clinical testing. Allele origin: germline.

NM_006531.5(IFT88):c.1657G>C (p.Glu553Gln)

Gene: IFT88 (intraflagellar transport 88; plus strand). Cytogenetic location: 13q12.11.
Variant type: single nucleotide variant.
Coding change: c.1657G>C on transcript NM_006531.5 (MANE Select); coding-DNA position 1657, G replaced by C.
Protein change: p.Glu553Gln; replaces glutamic acid 553 with glutamine.
Molecular consequence: missense variant. On other transcripts: non-coding transcript variant (4).
Genome position (GRCh38, 1-based): chr13:20,641,373, G>C. VCF-style: chr13-20641373-G-C. GRCh37 (hg19) VCF-style: chr13-21215512-G-C.
Other names: c.1600G>C, p.Glu534Gln (NM_001318491.2, NM_001353575.2); c.1684G>C, p.Glu562Gln (NM_001318493.2, NM_001353565.2, NM_001353566.2 and 2 more transcripts); c.1657G>C, p.Glu553Gln (NM_001353568.2, NM_001353572.2); c.1582G>C, p.Glu528Gln (NM_001353569.2, NM_001353570.2, NM_001353576.2 and 1 more transcripts); c.1555G>C, p.Glu519Gln (NM_001353571.2, NM_001353578.2); c.1513G>C, p.Glu505Gln (NM_001353573.2); c.1498G>C, p.Glu500Gln (NM_001353574.2); c.1024G>C, p.Glu342Gln (NM_001353579.2); short protein forms E342Q, E505Q, E519Q, E534Q, E528Q, E553Q, E500Q, E562Q.
Identifiers: ClinVar variation 2467444 (VCV002467444.5), dbSNP rs777984685, ClinGen allele CA6905488.
Genomic context (GRCh38, chr13:20,641,373, plus strand): 5'-CGGCTAGATGAGGCTTTGGACTGTTTCCTGAAACTTCACGCAATCCTACGAAACAGTGCC[G>C]AAGTTCTTTACCAGATAGCAAATATGTATCTTATTTGAAAACCTTAGGGACAGTTATTAA-3'
Protein context (NP_006522.2, residues 543-563): KLHAILRNSA[Glu553Gln]VLYQIANIYE